The following is an entry in ClinVar:

NM_022367.4(SEMA4A):c.2186C>T (p.Pro729Leu)

Gene: SEMA4A (semaphorin 4A; plus strand). Cytogenetic location: 1q22.
Variant type: single nucleotide variant.
Coding change: c.2186C>T on transcript NM_022367.4 (MANE Select); coding-DNA position 2186, C replaced by T.
Protein change: p.Pro729Leu; replaces proline 729 with leucine.
Molecular consequence: missense variant.
Genome position (GRCh38, 1-based): chr1:156,176,897, C>T. VCF-style: chr1-156176897-C-T. GRCh37 (hg19) VCF-style: chr1-156146688-C-T.
Other names: c.1889C>T, p.Pro630Leu (NM_001370568.1); c.1679C>T, p.Pro560Leu (NM_001370569.1, NM_001370571.1); c.2186C>T, p.Pro729Leu (NM_001193300.2, NM_001193301.2, NM_001370567.1); c.1790C>T, p.Pro597Leu (NM_001193302.2); short protein forms P560L, P630L, P729L, P597L.
Identifiers: ClinVar variation 1486663 (VCV001486663.7), dbSNP rs563891865, ClinGen allele CA1155545.

ClinVar aggregate classification (germline): Uncertain significance. Review status: criteria provided, multiple submitters, no conflicts (2 of 4 stars). 2 submissions from 2 submitters: Uncertain significance (2). Last evaluated 2025-11-01.

Allele frequency attached by ClinVar (database versions not stated): gnomAD 0.00001 and 0.00002; gnomAD exomes 0.00001 and 0.00003; TOPMed 0.00003; ExAC 0.00005; 1000 Genomes Project 30x 0.00016; 1000 Genomes Project 0.00020.
gnomAD v4.1: 30 of 1,614,240 alleles (0.0019%); highest among the groups gnomAD compares: South Asian, 0.0099%; no homozygotes.

Submissions (2):

Labcorp Genetics (formerly Invitae), Labcorp
Classification: Uncertain significance. Last evaluated: 2025-11-01. Review status: criteria provided, single submitter. Criteria: Invitae Variant Classification Sherloc (09022015). Collection method: clinical testing. Allele origin: germline.
Comment: This sequence change replaces proline, which is neutral and non-polar, with leucine, which is neutral and non-polar, at codon 729 of the SEMA4A protein (p.Pro729Leu). This variant is present in population databases (rs563891865, gnomAD 0.01%). This variant has not been reported in the literature in individuals affected with SEMA4A-related conditions. ClinVar contains an entry for this variant (Variation ID: 1486663). An algorithm developed to predict the effect of missense changes on protein structure and function outputs the following: PolyPhen-2: "Benign". The leucine amino acid residue is found in multiple mammalian species, which suggests that this missense change does not adversely affect protein function. In summary, the available evidence is currently insufficient to determine the role of this variant in disease. Therefore, it has been classified as a Variant of Uncertain Significance.

Blueprint Genetics
Classification: Uncertain significance. Last evaluated: 2024-06-06. Review status: criteria provided, single submitter. Criteria: ACMG Guidelines, 2015. Collection method: clinical testing. Allele origin: germline.